The following is an entry in ClinVar:

NM_022455.5(NSD1):c.6463+2T>C

Gene: NSD1 (nuclear receptor binding SET domain protein 1; plus strand). Cytogenetic location: 5q35.3.
Variant type: single nucleotide variant.
Coding change: c.6463+2T>C on transcript NM_022455.5 (MANE Select); the canonical splice donor site of the intron after coding-DNA position 6463, T replaced by C.
Molecular consequence: splice donor variant.
Genome position (GRCh38, 1-based): chr5:177,292,160, T>C. VCF-style: chr5-177292160-T-C. GRCh37 (hg19) VCF-style: chr5-176719161-T-C.
Other names: c.6463+2T>C (NM_001409301.1, NM_001409302.1, NM_001409303.1); c.6043+2T>C (NM_001409304.1); c.5710+2T>C (NM_001409305.1); c.5701+2T>C (NM_001409306.1, NM_001409307.1); c.5590+2T>C (NM_001409308.1, NM_172349.5, NM_001365684.2); c.5341+2T>C (NM_001409309.1).
Identifiers: ClinVar variation 3348865 (VCV003348865.1).

ClinVar aggregate classification (germline): Pathogenic (0 of 4 stars; one submission).

Conditions:
NSD1-related disorder. Also called: NSD1-related condition.

Submission:

PreventionGenetics, part of Exact Sciences
Classification: Pathogenic for NSD1-related condition. Last evaluated: 2024-04-29. Review status: no assertion criteria provided. Collection method: clinical testing. Allele origin: germline.
Comment: The NSD1 c.6463+2T>C variant is predicted to disrupt the GT donor site and interfere with normal splicing. To our knowledge, this variant has not been reported in the literature or in a large population database, indicating this variant is rare. Alternative variant at the same splice site c.6463+5G>A has been described in an individual with Sotos syndrome (Villate et al. 2022. PubMed ID: 35186810). Variants that disrupt the consensus splice donor site in NSD1 are expected to be pathogenic. This variant occurs in donor splice site of penultimate exon, and it is not clear whether would result into nonsense mediated decay. However multiple downstream loss-of-function variants have been reported in patients with Sotos syndrome or intellectual disability (Tatton-Brown et al. 2017. PubMed ID: 28475857, de Boer et al. 2004. PubMed ID: 15452385, Cecconi et al. 2005. PubMed ID: 15742365). This variant is interpreted as pathogenic.